The following is an entry in ClinVar:

NM_001173464.2(KIF21A):c.1138G>A (p.Asp380Asn)

Gene: KIF21A (kinesin family member 21A; minus strand). Cytogenetic location: 12q12.
Variant type: single nucleotide variant.
Coding change: c.1138G>A on transcript NM_001173464.2 (MANE Select); coding-DNA position 1138, G replaced by A.
Protein change: p.Asp380Asn; replaces aspartic acid 380 with asparagine.
Molecular consequence: missense variant.
Genome position (GRCh38, 1-based): chr12:39,358,255, C>T on the plus strand (G>A on the coding strand, the complement: KIF21A is on the minus strand). VCF-style: chr12-39358255-C-T. GRCh37 (hg19) VCF-style: chr12-39752057-C-T.
Other names: c.1138G>A, p.Asp380Asn (NM_001173463.2, NM_001173465.2, NM_001378439.1 and 3 more transcripts); short protein forms D380N.
Identifiers: ClinVar variation 5037170 (VCV005037170.1).
Genomic context (GRCh38, chr12:39,358,255, plus strand): 5'-GCTCCATCTGAAGTCGTGTGATTTCACTACGAAGTGCATTGATTTGCTGACTAGCTCTGT[C>T]CTGATTGACCATCACCTTATTCTTGATATTTCTAGCTCGATTGGCGTATTTCAGGGTGTT-3'
Protein context (NP_001166935.1, residues 370-390): NIKNKVMVNQ[Asp380Asn]RASQQINALR

ClinVar aggregate classification (germline): Uncertain significance (1 of 4 stars; one submission).

gnomAD v4.1: 2 of 1,614,056 alleles (0.00012%); highest among the groups gnomAD compares: South Asian, 0.0011%; no homozygotes.

Submission:

GeneDx
Classification: Uncertain significance. Last evaluated: 2026-04-14. Review status: criteria provided, single submitter. Criteria: GeneDx Variant Classification Process June 2021. Collection method: clinical testing. Allele origin: germline.
Comment: In silico analysis supports that this missense variant has a deleterious effect on protein structure/function; Has not been previously published as pathogenic or benign to our knowledge